The following is an entry in ClinVar:

NM_004415.4(DSP):c.1529T>C (p.Leu510Pro)

Gene: DSP (desmoplakin; plus strand). Cytogenetic location: 6p24.3.
Variant type: single nucleotide variant.
Coding change: c.1529T>C on transcript NM_004415.4 (MANE Select); coding-DNA position 1529, T replaced by C.
Protein change: p.Leu510Pro; replaces leucine 510 with proline.
Molecular consequence: missense variant.
Genome position (GRCh38, 1-based): chr6:7,569,295, T>C. VCF-style: chr6-7569295-T-C. GRCh37 (hg19) VCF-style: chr6-7569528-T-C.
Other names: c.1529T>C, p.Leu510Pro (NM_001008844.3, NM_001319034.2); short protein forms L510P.
Identifiers: ClinVar variation 1365148 (VCV001365148.6), dbSNP rs2113675644, ClinGen allele CA362677729.

ClinVar aggregate classification (germline): Uncertain significance (1 of 4 stars; one submission).

Conditions:
Arrhythmogenic cardiomyopathy with wooly hair and keratoderma. Also called: Arrhythmogenic cardiomyopathy with woolly hair and keratoderma; Carvajal syndrome; PALMOPLANTAR KERATODERMA WITH LEFT VENTRICULAR CARDIOMYOPATHY AND WOOLLY HAIR; Dilated cardiomyopathy with woolly hair and keratoderma. Identifiers: Orphanet 65282, MedGen C1854063, MONDO:0011581, OMIM 605676.
Arrhythmogenic right ventricular dysplasia 8 (ARVD8). Also called: Arrhythmogenic Right Ventricular Dysplasia/Cardiomyopathy 8; ARRHYTHMOGENIC RIGHT VENTRICULAR DYSPLASIA, FAMILIAL, 8; ARRHYTHMOGENIC RIGHT VENTRICULAR CARDIOMYOPATHY 8. Identifiers: MedGen C1843896, MONDO:0011831, OMIM 607450.

Submission:

Labcorp Genetics (formerly Invitae), Labcorp
Classification: Uncertain significance for Arrhythmogenic cardiomyopathy with wooly hair and keratoderma; Arrhythmogenic right ventricular dysplasia 8. Last evaluated: 2021-09-14. Review status: criteria provided, single submitter. Criteria: Invitae Variant Classification Sherloc (09022015). Collection method: clinical testing. Allele origin: germline.
Comment: This sequence change replaces leucine with proline at codon 510 of the DSP protein (p.Leu510Pro). The leucine residue is highly conserved and there is a moderate physicochemical difference between leucine and proline. This variant is not present in population databases (ExAC no frequency). This variant has not been reported in the literature in individuals affected with DSP-related conditions. Algorithms developed to predict the effect of missense changes on protein structure and function (SIFT, PolyPhen-2, Align-GVGD) all suggest that this variant is likely to be disruptive. In summary, the available evidence is currently insufficient to determine the role of this variant in disease. Therefore, it has been classified as a Variant of Uncertain Significance.